The following is an entry in ClinVar:

ClinVar aggregate classification (germline): Pathogenic. Review status: criteria provided, single submitter (1 of 4 stars). 2 submissions from 2 submitters: Pathogenic (1). 1 of the submissions does not count toward it. Last evaluated 2022-03-31.

Conditions:
Arrhythmogenic right ventricular dysplasia 2. Identifiers: MedGen C1832931.
Catecholaminergic polymorphic ventricular tachycardia 1. Also called: RYR2-Related Catecholaminergic Polymorphic Ventricular Tachycardia; VENTRICULAR TACHYCARDIA, CATECHOLAMINERGIC POLYMORPHIC, 1, WITH OR WITHOUT ATRIAL DYSFUNCTION AND/OR DILATED CARDIOMYOPATHY; VENTRICULAR TACHYCARDIA, STRESS-INDUCED POLYMORPHIC 1. Identifiers: Orphanet 3286, MedGen C1631597, MONDO:0011484, OMIM 604772.

Allele frequency attached by ClinVar (database versions not stated): TOPMed below 0.00001.

Submissions (2):

Labcorp Genetics (formerly Invitae), Labcorp
Classification: Pathogenic for Catecholaminergic polymorphic ventricular tachycardia 1. Last evaluated: 2022-03-31. Review status: criteria provided, single submitter. Criteria: Invitae Variant Classification Sherloc (09022015). Collection method: clinical testing. Allele origin: germline.
Comment: This sequence change replaces glutamic acid, which is acidic and polar, with glycine, which is neutral and non-polar, at codon 80 of the RYR2 protein (p.Glu80Gly). This variant is not present in population databases (gnomAD no frequency). This missense change has been observed in individual(s) with clinical features of RYR2-related conditions (Invitae). In at least one individual the variant was observed to be de novo. ClinVar contains an entry for this variant (Variation ID: 201190). Advanced modeling of protein sequence and biophysical properties (such as structural, functional, and spatial information, amino acid conservation, physicochemical variation, residue mobility, and thermodynamic stability) performed at Invitae indicates that this missense variant is expected to disrupt RYR2 protein function. For these reasons, this variant has been classified as Pathogenic.

Division of Human Genetics, Children's Hospital of Philadelphia
Classification: Uncertain significance for Catecholaminergic polymorphic ventricular tachycardia 1. Last evaluated: 2015-12-10. Review status: no assertion criteria provided. Collection method: research. Allele origin: de novo. Affected: yes. Study: CSER-PediSeq. Not counted in ClinVar's aggregate classification.

NM_001035.3(RYR2):c.239A>G (p.Glu80Gly)

Gene: RYR2 (ryanodine receptor 2; plus strand). Cytogenetic location: 1q43.
Variant type: single nucleotide variant.
Coding change: c.239A>G on transcript NM_001035.3 (MANE Select); coding-DNA position 239, A replaced by G.
Protein change: p.Glu80Gly; replaces glutamic acid 80 with glycine.
Molecular consequence: missense variant.
Genome position (GRCh38, 1-based): chr1:237,330,948, A>G. VCF-style: chr1-237330948-A-G. GRCh37 (hg19) VCF-style: chr1-237494248-A-G.
Other names: c.239A>G, p.Glu80Gly (LRG_402t1); short protein forms E80G.
Identifiers: ClinVar variation 201190 (VCV000201190.6), dbSNP rs794728706, ClinGen allele CA008831.